The following is an entry in ClinVar:

NM_004360.5(CDH1):c.922G>A (p.Asp308Asn)

Gene: CDH1 (cadherin 1; plus strand). Cytogenetic location: 16q22.1.
Variant type: single nucleotide variant.
Coding change: c.922G>A on transcript NM_004360.5 (MANE Select); coding-DNA position 922, G replaced by A.
Protein change: p.Asp308Asn; replaces aspartic acid 308 with asparagine.
Molecular consequence: missense variant. On other transcripts: 5 prime UTR variant (2).
Genome position (GRCh38, 1-based): chr16:68,811,773, G>A. VCF-style: chr16-68811773-G-A. GRCh37 (hg19) VCF-style: chr16-68845676-G-A.
Other names: c.922G>A, p.Asp308Asn (NM_001317184.2); c.-694G>A (NM_001317185.2); c.-898G>A (NM_001317186.2); short protein forms D308N.
Identifiers: ClinVar variation 935058 (VCV000935058.13), dbSNP rs1339256204, ClinGen allele CA396459722.

ClinVar aggregate classification (germline): Conflicting classifications of pathogenicity. Review status: criteria provided, conflicting classifications (1 of 4 stars). 3 submissions from 3 submitters: Uncertain significance (2); Likely benign (1). Last evaluated 2026-05-05.

Conditions:
Hereditary cancer-predisposing syndrome. Also called: Hereditary Cancer Syndrome; Neoplastic Syndromes, Hereditary; Tumor predisposition; Hereditary neoplastic syndrome. Identifiers: Orphanet 140162, MedGen C0027672, MeSH D009386, MONDO:0015356.
Hereditary diffuse gastric adenocarcinoma (HDGC). Also called: DIFFUSE GASTRIC AND LOBULAR BREAST CANCER SYNDROME. Identifiers: Orphanet 26106, MedGen C1708349, MONDO:0007648, OMIM 137215.

Allele frequency attached by ClinVar (database versions not stated): gnomAD exomes below 0.00001.
gnomAD v4.1: 5 of 1,614,138 alleles (0.00031%); highest among the groups gnomAD compares: Non-Finnish European, 0.00042%; no homozygotes.

Submissions (3):

Ambry Genetics
Classification: Likely benign for Hereditary cancer-predisposing syndrome. Last evaluated: 2026-05-05. Review status: criteria provided, single submitter. Criteria: Ambry Variant Classification Scheme 2023. Collection method: clinical testing. Allele origin: germline.

Center for Genomic Medicine, Rigshospitalet, Copenhagen University Hospital
Classification: Uncertain significance. Last evaluated: 2025-12-29. Review status: criteria provided, single submitter. Criteria: ACMG Guidelines, 2015. Collection method: clinical testing. Allele origin: germline.

Labcorp Genetics (formerly Invitae), Labcorp
Classification: Uncertain significance for Hereditary diffuse gastric adenocarcinoma. Last evaluated: 2019-09-24. Review status: criteria provided, single submitter. Criteria: Invitae Variant Classification Sherloc (09022015). Collection method: clinical testing. Allele origin: germline.
Comment: This sequence change replaces aspartic acid with asparagine at codon 308 of the CDH1 protein (p.Asp308Asn). The aspartic acid residue is highly conserved and there is a small physicochemical difference between aspartic acid and asparagine. This variant is not present in population databases (ExAC no frequency). This variant has not been reported in the literature in individuals with CDH1-related conditions. Algorithms developed to predict the effect of missense changes on protein structure and function are either unavailable or do not agree on the potential impact of this missense change (SIFT: "Deleterious"; PolyPhen-2: "Benign"; Align-GVGD: "Class C0"). In summary, the available evidence is currently insufficient to determine the role of this variant in disease. Therefore, it has been classified as a Variant of Uncertain Significance.